The following is an entry in ClinVar:

NM_001368809.2(AMPD2):c.178G>A (p.Asp60Asn)

Gene: AMPD2 (adenosine monophosphate deaminase 2; plus strand). Cytogenetic location: 1p13.3.
Variant type: single nucleotide variant.
Coding change: c.178G>A on transcript NM_001368809.2 (MANE Select); coding-DNA position 178, G replaced by A.
Protein change: p.Asp60Asn; replaces aspartic acid 60 with asparagine.
Molecular consequence: missense variant. On other transcripts: 5 prime UTR variant (1), intron variant (1).
Genome position (GRCh38, 1-based): chr1:109,625,389, G>A. VCF-style: chr1-109625389-G-A. GRCh37 (hg19) VCF-style: chr1-110168011-G-A.
Other names: c.340G>A (NM_001257360.1, NM_004037.6); c.-15G>A (NM_001257361.2); c.178G>A, p.Asp60Asn (NM_004037.9); c.97G>A, p.Asp33Asn (NM_139156.4); c.160-273G>A (NM_001308170.1); short protein forms D60N, D33N.
Identifiers: ClinVar variation 655115 (VCV000655115.10), dbSNP rs754712604, ClinGen allele CA992696.

ClinVar aggregate classification (germline): Uncertain significance. Review status: criteria provided, multiple submitters, no conflicts (2 of 4 stars). 4 submissions from 3 submitters: Uncertain significance (4). Last evaluated 2025-05-16.

Conditions:
Inborn genetic diseases. Identifiers: MedGen C0950123, MeSH D030342.
Hereditary spastic paraplegia 63. Also called: Spastic paraplegia 63, autosomal recessive. Identifiers: Orphanet 401805, MedGen C3810295, MONDO:0014305, OMIM 615686.
Pontocerebellar hypoplasia type 9. Identifiers: Orphanet 369920, MedGen C4014354, MONDO:0014351, OMIM 615809.

Allele frequency attached by ClinVar (database versions not stated): gnomAD exomes 0.00005 and 0.00001; ExAC 0.00001; gnomAD 0.00002 and 0.00003; TOPMed 0.00002.
gnomAD v4.1: 74 of 1,613,826 alleles (0.0046%); highest among the groups gnomAD compares: Non-Finnish European, 0.0057%; no homozygotes.

Submissions (4):

Ambry Genetics
Classification: Uncertain significance for Inborn genetic diseases. Last evaluated: 2025-05-16. Review status: criteria provided, single submitter. Criteria: Ambry Variant Classification Scheme 2023. Collection method: clinical testing. Allele origin: germline.

Labcorp Genetics (formerly Invitae), Labcorp
Classification: Uncertain significance for Pontocerebellar hypoplasia type 9; Hereditary spastic paraplegia 63. Last evaluated: 2024-04-10. Review status: criteria provided, single submitter. Criteria: Invitae Variant Classification Sherloc (09022015). Collection method: clinical testing. Allele origin: germline.
Comment: This sequence change replaces aspartic acid, which is acidic and polar, with asparagine, which is neutral and polar, at codon 114 of the AMPD2 protein (p.Asp114Asn). This variant is present in population databases (rs754712604, gnomAD 0.002%). This variant has not been reported in the literature in individuals affected with AMPD2-related conditions. ClinVar contains an entry for this variant (Variation ID: 655115). An algorithm developed to predict the effect of missense changes on protein structure and function (PolyPhen-2) suggests that this variant is likely to be disruptive. In summary, the available evidence is currently insufficient to determine the role of this variant in disease. Therefore, it has been classified as a Variant of Uncertain Significance.

Genome-Nilou Lab
Classification: Uncertain significance for Hereditary spastic paraplegia 63. Last evaluated: 2023-04-11. Review status: criteria provided, single submitter. Criteria: ACMG Guidelines, 2015. Collection method: clinical testing. Allele origin: germline. Affected: no.

Genome-Nilou Lab
Classification: Uncertain significance for Pontocerebellar hypoplasia type 9. Last evaluated: 2023-04-11. Review status: criteria provided, single submitter. Criteria: ACMG Guidelines, 2015. Collection method: clinical testing. Allele origin: germline. Affected: no.